The following is an entry in ClinVar:

ClinVar aggregate classification (germline): Uncertain significance. Review status: criteria provided, multiple submitters, no conflicts (2 of 4 stars). 5 submissions from 4 submitters: Uncertain significance (3). 2 of the submissions do not count toward it. Last evaluated 2023-11-04.

Conditions:
Retinitis pigmentosa 39 (RP39). Identifiers: Orphanet 791, MedGen C3151138, MONDO:0013436, OMIM 613809.
Usher syndrome type 2A. Also called: RETINAL DISEASE IN USHER SYNDROME TYPE IIA, MODIFIER OF; USHER SYNDROME, TYPE IIA. Identifiers: Orphanet 231178, Orphanet 886, MedGen C1848634, MONDO:0010169, OMIM 276901.

Allele frequency attached by ClinVar (database versions not stated): gnomAD exomes below 0.00001 and 0.00001; ExAC 0.00001; gnomAD 0.00004; TOPMed 0.00006; 1000 Genomes Project 30x 0.00016; 1000 Genomes Project 0.00020.

Submissions (5):

Genome-Nilou Lab
Classification: Uncertain significance for Retinitis pigmentosa 39. Last evaluated: 2023-11-04. Review status: criteria provided, single submitter. Criteria: ACMG Guidelines, 2015. Collection method: clinical testing. Allele origin: germline. Affected: no.

Genome-Nilou Lab
Classification: Uncertain significance for Usher syndrome type 2A. Last evaluated: 2023-11-04. Review status: criteria provided, single submitter. Criteria: ACMG Guidelines, 2015. Collection method: clinical testing. Allele origin: germline. Affected: no.

Laboratory for Molecular Medicine, Mass General Brigham Personalized Medicine
Classification: Uncertain significance. Last evaluated: 2014-11-28. Review status: criteria provided, single submitter. Criteria: LMM Criteria. Collection method: clinical testing. Allele origin: germline. Observed: 1 variant allele.
Comment: The p.Tyr534Cys variant in USH2A has not been previously reported in individuals with hearing loss but was reported in 1/11540 Latino chromosomes by the Exome A ggregation Consortium. Although this variant ha s been seen in the general population, its frequency is not high enough to rule out a pathogenic role. Computational prediction tools and conservation analyses suggest that the p.Tyr534Cys variant may impact the protein, though this informa tion is not predictive enough to determine pathogenicity. In summary, the clinic al significance of the p.Tyr534Cys variant is uncertain.

Natera, Inc.
Classification: Uncertain significance for Usher syndrome type 2A. Last evaluated: 2020-02-03. Review status: no assertion criteria provided. Collection method: clinical testing. Allele origin: germline. Not counted in ClinVar's aggregate classification.

Counsyl
Classification: Uncertain significance for Usher syndrome type 2A; Retinitis pigmentosa 39. Last evaluated: 2017-09-15. Review status: no assertion criteria provided. Collection method: clinical testing. Allele origin: unknown. Not counted in ClinVar's aggregate classification.

NM_206933.4(USH2A):c.1601A>G (p.Tyr534Cys)

Gene: USH2A (usherin; minus strand). Cytogenetic location: 1q41.
Variant type: single nucleotide variant.
Coding change: c.1601A>G on transcript NM_206933.4 (MANE Select); coding-DNA position 1601, A replaced by G.
Protein change: p.Tyr534Cys; replaces tyrosine 534 with cysteine.
Molecular consequence: missense variant.
Genome position (GRCh38, 1-based): chr1:216,321,926, T>C on the plus strand (A>G on the coding strand, the complement: USH2A is on the minus strand). VCF-style: chr1-216321926-T-C. GRCh37 (hg19) VCF-style: chr1-216495268-T-C.
Other names: c.1601A>G, p.Tyr534Cys (NM_007123.6); short protein forms Y534C.
Identifiers: ClinVar variation 180118 (VCV000180118.8), dbSNP rs570446209, ClinGen allele CA185850.
Genomic context (GRCh38, chr1:216,321,926, plus strand): 5'-CATAAAATAGAACTCACATGAAGTCCTTCAGTGAAGCTCTCCTGGGAGCAGAGGCATCTA[T>C]ATGGCTGGCTTGTTGTGTCGCAGTTATCGGCATGACCATGGCACTGACATCTGCAAACAT-3'
Protein context (NP_996816.3, residues 524-544): ADNCDTTSQP[Tyr534Cys]RCLCSQESFT